The following is an entry in ClinVar:

NM_014629.4(ARHGEF10):c.1636A>G (p.Ile546Val)

Gene: ARHGEF10 (Rho guanine nucleotide exchange factor 10; plus strand). Cytogenetic location: 8p23.3.
Variant type: single nucleotide variant.
Coding change: c.1636A>G on transcript NM_014629.4 (MANE Select); coding-DNA position 1636, A replaced by G.
Protein change: p.Ile546Val; replaces isoleucine 546 with valine.
Molecular consequence: missense variant.
Genome position (GRCh38, 1-based): chr8:1,898,511, A>G. VCF-style: chr8-1898511-A-G. GRCh37 (hg19) VCF-style: chr8-1846677-A-G.
Other names: c.1522A>G, p.Ile508Val (NM_001308152.2); c.1636A>G, p.Ile546Val (NM_001308153.3); short protein forms I546V, I570V, I508V.
Identifiers: ClinVar variation 2107263 (VCV002107263.4), dbSNP rs766078379, ClinGen allele CA4600476.

ClinVar aggregate classification (germline): Uncertain significance (1 of 4 stars; one submission).

Allele frequency attached by ClinVar (database versions not stated): ExAC 0.00001; gnomAD exomes 0.00001.
gnomAD v4.1: 5 of 1,614,058 alleles (0.00031%); highest among the groups gnomAD compares: Middle Eastern, 0.033%; no homozygotes.

Submission:

Labcorp Genetics (formerly Invitae), Labcorp
Classification: Uncertain significance. Last evaluated: 2022-06-24. Review status: criteria provided, single submitter. Criteria: Invitae Variant Classification Sherloc (09022015). Collection method: clinical testing. Allele origin: germline.
Comment: This sequence change replaces isoleucine, which is neutral and non-polar, with valine, which is neutral and non-polar, at codon 546 of the ARHGEF10 protein (p.Ile546Val). This variant is present in population databases (rs766078379, gnomAD 0.0009%). This variant has not been reported in the literature in individuals affected with ARHGEF10-related conditions. Algorithms developed to predict the effect of missense changes on protein structure and function are either unavailable or do not agree on the potential impact of this missense change (SIFT: "Tolerated"; PolyPhen-2: "Probably Damaging"; Align-GVGD: "Class C0"). In summary, the available evidence is currently insufficient to determine the role of this variant in disease. Therefore, it has been classified as a Variant of Uncertain Significance.